The following is an entry in ClinVar:

ClinVar aggregate classification (germline): Uncertain significance (1 of 4 stars; one submission).

Allele frequency attached by ClinVar (database versions not stated): TOPMed below 0.00001; gnomAD exomes 0.00002.

Submission:

GeneDx
Classification: Uncertain significance. Last evaluated: 2022-08-08. Review status: criteria provided, single submitter. Criteria: GeneDx Variant Classification Process June 2021. Collection method: clinical testing. Allele origin: germline. Affected: yes.
Comment: Not observed at significant frequency in large population cohorts (gnomAD); In silico analysis supports that this missense variant does not alter protein structure/function; Has not been previously published as pathogenic or benign to our knowledge

NM_001005273.3(CHD3):c.2551G>A (p.Ala851Thr)

Gene: CHD3 (chromodomain helicase DNA binding protein 3; plus strand). Cytogenetic location: 17p13.1.
Variant type: single nucleotide variant.
Coding change: c.2551G>A on transcript NM_001005273.3 (MANE Select); coding-DNA position 2551, G replaced by A.
Protein change: p.Ala851Thr; replaces alanine 851 with threonine.
Molecular consequence: missense variant.
Genome position (GRCh38, 1-based): chr17:7,899,902, G>A. VCF-style: chr17-7899902-G-A. GRCh37 (hg19) VCF-style: chr17-7803220-G-A.
Other names: c.2728G>A, p.Ala910Thr (NM_001005271.3); c.2551G>A, p.Ala851Thr (NM_005852.4); short protein forms A851T, A910T.
Identifiers: ClinVar variation 2429593 (VCV002429593.1), dbSNP rs1970115381, ClinGen allele CA397939487.